The following is an entry in ClinVar:

NM_000127.3(EXT1):c.-722T>C

Genes: EXT1 (exostosin glycosyltransferase 1; minus strand), LOC130001002 (ATAC-STARR-seq lymphoblastoid silent region 19478; plus strand). Cytogenetic location: 8q24.11.
Variant type: single nucleotide variant.
Coding change: c.-722T>C on transcript NM_000127.3 (MANE Select); 722 bases upstream of the start codon, T replaced by C.
Molecular consequence: 5 prime UTR variant.
Genome position (GRCh38, 1-based): chr8:118,111,768, A>G on the plus strand (T>C on the coding strand, the complement: EXT1 is on the minus strand). VCF-style: chr8-118111768-A-G. GRCh37 (hg19) VCF-style: chr8-119124007-A-G.
Identifiers: ClinVar variation 361680 (VCV000361680.7), dbSNP rs192302720, ClinGen allele CA10630047.

ClinVar aggregate classification (germline): Benign. Review status: criteria provided, multiple submitters, no conflicts (2 of 4 stars). 2 submissions from 2 submitters: Benign (2). Last evaluated 2020-03-19.

Conditions:
Multiple congenital exostosis (EXT). Also called: Hereditary multiple exostoses; Hereditary multiple exostosis; Multiple osteochondromas; Multiple exostoses; MULTIPLE CARTILAGINOUS EXOSTOSES; Hereditary multiple osteochondromas. Identifiers: Orphanet 321, MedGen C0015306, MONDO:0005508, HP:0002762.

Allele frequency attached by ClinVar (database versions not stated): gnomAD exomes 0.00798; gnomAD 0.05974 and 0.06363; 1000 Genomes Project 0.06390; TOPMed 0.06626; 1000 Genomes Project 30x 0.06636.
gnomAD v4.1: 8,788 of 148,824 alleles (5.9%); highest among the groups gnomAD compares: African/African-American, 19%; 808 homozygotes.

Submissions (2):

GeneDx
Classification: Benign. Last evaluated: 2020-03-19. Review status: criteria provided, single submitter. Criteria: GeneDx Variant Classification Process June 2021. Collection method: clinical testing. Allele origin: germline. Affected: yes.

Illumina Laboratory Services, Illumina
Classification: Benign for Exostoses, multiple, type 1. Last evaluated: 2018-01-13. Review status: criteria provided, single submitter. Criteria: ICSL Variant Classification Criteria 13 December 2019. Collection method: clinical testing. Allele origin: germline.
Comment: This variant was observed in the ICSL laboratory as part of a predisposition screen in an ostensibly healthy population. It had not been previously curated by ICSL or reported in the Human Gene Mutation Database (HGMD: prior to June 1st, 2018), and was therefore a candidate for classification through an automated scoring system. Utilizing variant allele frequency, disease prevalence and penetrance estimates, and inheritance mode, an automated score was calculated to assess if this variant is too frequent to cause the disease. Based on the score and internal cut-off values, a variant classified as benign is not then subjected to further curation. The score for this variant resulted in a classification of benign for this disease.